The following is an entry in ClinVar:

ClinVar aggregate classification (germline): Likely benign. Review status: criteria provided, multiple submitters, no conflicts (2 of 4 stars). 2 submissions from 2 submitters: Likely benign (2). Last evaluated 2024-10-29.

Conditions:
PCDH15-related disorder. Also called: PCDH15-related disorders; PCDH15-related condition.

Submissions (2):

PreventionGenetics, part of Exact Sciences
Classification: Likely benign for PCDH15-related condition. Last evaluated: 2024-10-29. Review status: criteria provided, single submitter. Criteria: ACMG Guidelines, 2015. Collection method: clinical testing. Allele origin: germline.
Comment: This variant is classified as likely benign based on ACMG/AMP sequence variant interpretation guidelines (Richards et al. 2015 PMID: 25741868, with internal and published modifications).

Labcorp Genetics (formerly Invitae), Labcorp
Classification: Likely benign. Last evaluated: 2021-03-08. Review status: criteria provided, single submitter. Criteria: Invitae Variant Classification Sherloc (09022015). Collection method: clinical testing. Allele origin: germline.

NM_001384140.1(PCDH15):c.4367+2262_4367+2265del

Gene: PCDH15 (protocadherin related 15; minus strand). Cytogenetic location: 10q21.1.
Variant type: Microsatellite.
Coding change: c.4367+2262_4367+2265del on transcript NM_001384140.1 (MANE Select); bases 2262 to 2265 of the intron after coding-DNA position 4367, 4 bases deleted (GTAA; older notation c.4367+2262_4367+2265delGTAA).
Molecular consequence: intron variant. On other transcripts: splice donor variant (9).
Genome position (GRCh38, 1-based): chr10:53,825,128-53,825,131, TTAC deleted on the plus strand (GTAA on the coding strand, the reverse complement: PCDH15 is on the minus strand); deleting any 4 consecutive bases within chr10:53,825,128-53,825,138 gives the same sequence; the c. name uses the placement nearest the transcript's 3' end. VCF-style (leftmost placement, unchanged base first): chr10-53825127-TTTAC-T. GRCh37 (hg19) VCF-style: chr10-55584887-TTTAC-T.
Other names: c.4368-1773_4368-1770del (NM_033056.3, NM_033056.4); c.4367+2262_4367+2265del (NM_001354429.2, NM_001354420.2); c.4373+5_4373+8del (NM_001142772.2, NM_001142770.3, NM_001142764.2); c.4388+5_4388+8del (NM_001142771.2, NM_001142763.2); c.4388+2262_4388+2265del (NM_001354411.2); c.4409+5_4409+8del (NM_001142769.3); c.4302-1773_4302-1770del (NM_001354404.2); c.4298+5_4298+8del (NM_001142773.2); and 4 more.
Identifiers: ClinVar variation 768365 (VCV000768365.11), dbSNP rs531963480, ClinGen allele CA5505332.
Genomic context (GRCh38, chr10:53,825,127, plus strand): 5'-GCATTTTAATCTGTTCTATTGTATCTATTTTTCTAACGCTCTTCTATTAGAGTGATATTA[TTTAC>T]TTACTTATGCCTATGTATCCACAGGTGAGAAACAGAAAACATGTGATAGAAAAAAAGAAG-3'